The following is an entry in ClinVar:

ClinVar aggregate classification (germline): Likely benign. Review status: criteria provided, single submitter (1 of 4 stars). 2 submissions from 2 submitters: Likely benign (1). 1 of the submissions does not count toward it. Last evaluated 2025-12-28.

Conditions:
LTBP4-related disorder. Also called: LTBP4-related condition.

Allele frequency attached by ClinVar (database versions not stated): gnomAD exomes 0.00002 and 0.00003; TOPMed 0.00003; gnomAD 0.00004.
gnomAD v4.1: 53 of 1,613,440 alleles (0.0033%); highest among the groups gnomAD compares: Non-Finnish European, 0.0043%; no homozygotes.

Submissions (2):

Labcorp Genetics (formerly Invitae), Labcorp
Classification: Likely benign. Last evaluated: 2025-12-28. Review status: criteria provided, single submitter. Criteria: Invitae Variant Classification Sherloc (09022015). Collection method: clinical testing. Allele origin: germline.

PreventionGenetics, part of Exact Sciences
Classification: Likely benign for LTBP4-related condition. Last evaluated: 2024-09-26. Review status: no assertion criteria provided. Collection method: clinical testing. Allele origin: germline. Not counted in ClinVar's aggregate classification.
Comment: This variant is classified as likely benign based on ACMG/AMP sequence variant interpretation guidelines (Richards et al. 2015 PMID: 25741868, with internal and published modifications).

NM_001042545.2(LTBP4):c.2229G>A (p.Val743=)

Gene: LTBP4 (latent transforming growth factor beta binding protein 4; plus strand). Cytogenetic location: 19q13.2.
Variant type: single nucleotide variant.
Coding change: c.2229G>A on transcript NM_001042545.2 (MANE Select); coding-DNA position 2229, G replaced by A.
Protein change: p.Val743=; no amino-acid change (valine 743 retained).
Molecular consequence: synonymous variant.
Genome position (GRCh38, 1-based): chr19:40,612,122, G>A. VCF-style: chr19-40612122-G-A. GRCh37 (hg19) VCF-style: chr19-41118028-G-A.
Other names: c.2430G>A, p.Val810= (NM_001042544.1); c.2319G>A, p.Val773= (NM_003573.2).
Identifiers: ClinVar variation 1623660 (VCV001623660.11), dbSNP rs745511698, ClinGen allele CA308452456.
Genomic context (GRCh38, chr19:40,612,122, plus strand): 5'-CTGCCCCCCAGATGTGGATGAGTGTGAGAACCACCTCGCATGCCCTGGGCAGGAGTGTGT[G>A]AACTCGCCCGGCTCCTTCCAGTGCAGGACCTGTCCTTCTGGCCACCACCTGCACCGTGGC-3'
Protein context (NP_001036010.1, residues 733-753): NHLACPGQEC[Val743=]NSPGSFQCRT